The following is an entry in ClinVar:

ClinVar aggregate classification (germline): Uncertain significance. Review status: criteria provided, multiple submitters, no conflicts (2 of 4 stars). 4 submissions from 4 submitters: Uncertain significance (4). Last evaluated 2022-05-23.

Conditions:
Alstrom syndrome (ALMS). Identifiers: Orphanet 64, MedGen C0268425, MONDO:0008763, OMIM 203800.

Allele frequency attached by ClinVar (database versions not stated): gnomAD exomes below 0.00001; gnomAD 0.00001; TOPMed 0.00001.
gnomAD v4.1: 3 of 1,614,034 alleles (0.00019%); highest among the groups gnomAD compares: African/African-American, 0.004%; no homozygotes.

Submissions (4):

GeneDx
Classification: Uncertain significance. Last evaluated: 2022-05-23. Review status: criteria provided, single submitter. Criteria: GeneDx Variant Classification Process June 2021. Collection method: clinical testing. Allele origin: germline. Affected: yes.
Comment: Not observed at significant frequency in large population cohorts (gnomAD); In silico analysis supports that this missense variant has a deleterious effect on protein structure/function; Has not been previously published as pathogenic or benign to our knowledge

Labcorp Genetics (formerly Invitae), Labcorp
Classification: Uncertain significance for Alstrom syndrome. Last evaluated: 2022-03-14. Review status: criteria provided, single submitter. Criteria: Invitae Variant Classification Sherloc (09022015). Collection method: clinical testing. Allele origin: germline.
Comment: This sequence change replaces threonine, which is neutral and polar, with isoleucine, which is neutral and non-polar, at codon 2714 of the ALMS1 protein (p.Thr2714Ile). This variant is not present in population databases (gnomAD no frequency). This variant has not been reported in the literature in individuals affected with ALMS1-related conditions. Experimental studies and prediction algorithms are not available or were not evaluated, and the functional significance of this variant is currently unknown. In summary, the available evidence is currently insufficient to determine the role of this variant in disease. Therefore, it has been classified as a Variant of Uncertain Significance.

Fulgent Genetics
Classification: Uncertain significance for Alstrom syndrome. Last evaluated: 2021-09-08. Review status: criteria provided, single submitter. Criteria: ACMG Guidelines, 2015. Collection method: clinical testing. Allele origin: unknown.

Genetic Services Laboratory, University of Chicago
Classification: Uncertain significance. Last evaluated: 2017-12-26. Review status: criteria provided, single submitter. Criteria: ACMG Guidelines, 2015. Collection method: clinical testing. Allele origin: germline. Affected: no.

NM_001378454.1(ALMS1):c.8138C>T (p.Thr2713Ile)

Gene: ALMS1 (ALMS1 centrosome and basal body associated protein; plus strand). Cytogenetic location: 2p13.1.
Variant type: single nucleotide variant.
Coding change: c.8138C>T on transcript NM_001378454.1 (MANE Select); coding-DNA position 8138, C replaced by T.
Protein change: p.Thr2713Ile; replaces threonine 2713 with isoleucine.
Molecular consequence: missense variant.
Genome position (GRCh38, 1-based): chr2:73,490,097, C>T. VCF-style: chr2-73490097-C-T. GRCh37 (hg19) VCF-style: chr2-73717224-C-T.
Other names: c.8141C>T, p.Thr2714Ile (NM_015120.4); short protein forms T2713I, T2714I.
Identifiers: ClinVar variation 1336479 (VCV001336479.8), dbSNP rs1672944551, ClinGen allele CA347267624.